The following is an entry in ClinVar:

ClinVar aggregate classification (germline): Uncertain significance (1 of 4 stars; one submission).

Conditions:
Achondrogenesis, type IA (ACG1A). Identifiers: Orphanet 932, Orphanet 93299, MedGen C0265273, MONDO:0008701, OMIM 200600.

Submission:

Labcorp Genetics (formerly Invitae), Labcorp
Classification: Uncertain significance for Achondrogenesis, type IA. Last evaluated: 2022-11-08. Review status: criteria provided, single submitter. Criteria: Invitae Variant Classification Sherloc (09022015). Collection method: clinical testing. Allele origin: germline.
Comment: This variant has not been reported in the literature in individuals affected with TRIP11-related conditions. In summary, the available evidence is currently insufficient to determine the role of this variant in disease. Therefore, it has been classified as a Variant of Uncertain Significance. Advanced modeling of protein sequence and biophysical properties (such as structural, functional, and spatial information, amino acid conservation, physicochemical variation, residue mobility, and thermodynamic stability) performed at Invitae indicates that this missense variant is not expected to disrupt TRIP11 protein function. ClinVar contains an entry for this variant (Variation ID: 1369900). This variant is not present in population databases (gnomAD no frequency). This sequence change replaces glutamic acid, which is acidic and polar, with aspartic acid, which is acidic and polar, at codon 802 of the TRIP11 protein (p.Glu802Asp).

NM_004239.4(TRIP11):c.2406G>T (p.Glu802Asp)

Gene: TRIP11 (thyroid hormone receptor interactor 11; minus strand). Cytogenetic location: 14q32.12.
Variant type: single nucleotide variant.
Coding change: c.2406G>T on transcript NM_004239.4 (MANE Select); coding-DNA position 2406, G replaced by T.
Protein change: p.Glu802Asp; replaces glutamic acid 802 with aspartic acid.
Molecular consequence: missense variant.
Genome position (GRCh38, 1-based): chr14:92,005,570, C>A on the plus strand (G>T on the coding strand, the complement: TRIP11 is on the minus strand). VCF-style: chr14-92005570-C-A. GRCh37 (hg19) VCF-style: chr14-92471914-C-A.
Other names: c.2403G>T, p.Glu801Asp (NM_001321851.1); short protein forms E802D, E801D.
Identifiers: ClinVar variation 1369900 (VCV001369900.6), dbSNP rs2140118820, ClinGen allele CA390657727.